The following is an entry in ClinVar:

ClinVar aggregate classification (germline): Conflicting classifications of pathogenicity. Review status: criteria provided, conflicting classifications (1 of 4 stars). 3 submissions from 3 submitters: Uncertain significance (1); Likely benign (2). Last evaluated 2026-01-19.

Conditions:
Cardiovascular phenotype. Identifiers: MedGen CN230736.
Dilated cardiomyopathy 1DD (CMD1DD). Identifiers: Orphanet 154, MedGen C2750995, MONDO:0013168, OMIM 613172.

Allele frequency attached by ClinVar (database versions not stated): gnomAD 0.00001 and 0.00002; gnomAD exomes 0.00001 and 0.00005; TOPMed 0.00003.
gnomAD v4.1: 23 of 1,551,610 alleles (0.0015%); highest among the groups gnomAD compares: Non-Finnish European, 0.0019%; no homozygotes.

Submissions (3):

Labcorp Genetics (formerly Invitae), Labcorp
Classification: Likely benign for Dilated cardiomyopathy 1DD. Last evaluated: 2026-01-19. Review status: criteria provided, single submitter. Criteria: Invitae Variant Classification Sherloc (09022015). Collection method: clinical testing. Allele origin: germline.

Ambry Genetics
Classification: Likely benign for Cardiovascular phenotype. Last evaluated: 2024-04-03. Review status: criteria provided, single submitter. Criteria: Ambry Variant Classification Scheme 2023. Collection method: clinical testing. Allele origin: germline.

Centre for Mendelian Genomics, University Medical Centre Ljubljana
Classification: Uncertain significance for Dilated cardiomyopathy 1DD. Last evaluated: 2019-04-23. Review status: criteria provided, single submitter. Criteria: ACMG Guidelines, 2015. Collection method: clinical testing. Allele origin: unknown. Affected: yes.
Comment: This variant was classified as: Uncertain significance. The available evidence on this variant's pathogenicity is insufficient or conflicting. The following ACMG criteria were applied in classifying this variant: No criteria apply.

Literature cited by the submitters: PubMed 34935411 (cited by Ambry Genetics).

NM_001134363.3(RBM20):c.3301G>A (p.Glu1101Lys)

Gene: RBM20 (RNA binding motif protein 20; plus strand). Cytogenetic location: 10q25.2.
Variant type: single nucleotide variant.
Coding change: c.3301G>A on transcript NM_001134363.3 (MANE Select); coding-DNA position 3301, G replaced by A.
Protein change: p.Glu1101Lys; replaces glutamic acid 1101 with lysine.
Molecular consequence: missense variant.
Genome position (GRCh38, 1-based): chr10:110,821,920, G>A. VCF-style: chr10-110821920-G-A. GRCh37 (hg19) VCF-style: chr10-112581678-G-A.
Other names: c.3301G>A (NM_001134363.1); short protein forms E1101K.
Identifiers: ClinVar variation 566577 (VCV000566577.13), dbSNP rs959605686, ClinGen allele CA213229932.